The following is an entry in ClinVar:

ClinVar aggregate classification (germline): Uncertain significance (1 of 4 stars; one submission).

Conditions:
Ichthyosis linearis circumflexa. Identifiers: MedGen C0265962, MONDO:0043106, HP:0025810.

gnomAD v4.1: 14 of 1,612,160 alleles (0.00087%); highest among the groups gnomAD compares: Middle Eastern, 0.017%; no homozygotes.

Submission:

Labcorp Genetics (formerly Invitae), Labcorp
Classification: Uncertain significance for Ichthyosis linearis circumflexa. Last evaluated: 2025-03-31. Review status: criteria provided, single submitter. Criteria: Invitae Variant Classification Sherloc (09022015). Collection method: clinical testing. Allele origin: germline.
Comment: This sequence change replaces glutamic acid, which is acidic and polar, with lysine, which is basic and polar, at codon 178 of the SPINK5 protein (p.Glu178Lys). This variant is present in population databases (rs770431574, gnomAD 0.006%). This variant has not been reported in the literature in individuals affected with SPINK5-related conditions. Invitae Evidence Modeling of protein sequence and biophysical properties (such as structural, functional, and spatial information, amino acid conservation, physicochemical variation, residue mobility, and thermodynamic stability) has been performed for this missense variant. However, the output from this modeling did not meet the statistical confidence thresholds required to predict the impact of this variant on SPINK5 protein function. In summary, the available evidence is currently insufficient to determine the role of this variant in disease. Therefore, it has been classified as a Variant of Uncertain Significance.

NM_006846.4(SPINK5):c.532G>A (p.Glu178Lys)

Gene: SPINK5 (serine peptidase inhibitor Kazal type 5; plus strand). Cytogenetic location: 5q32.
Variant type: single nucleotide variant.
Coding change: c.532G>A on transcript NM_006846.4 (MANE Select); coding-DNA position 532, G replaced by A.
Protein change: p.Glu178Lys; replaces glutamic acid 178 with lysine.
Molecular consequence: missense variant.
Genome position (GRCh38, 1-based): chr5:148,089,551, G>A. VCF-style: chr5-148089551-G-A. GRCh37 (hg19) VCF-style: chr5-147469114-G-A.
Other names: c.532G>A, p.Glu178Lys (NM_001127698.2, NM_001127699.2); short protein forms E178K.
Identifiers: ClinVar variation 4706313 (VCV004706313.1).